The following is an entry in ClinVar:

NM_207421.4(PADI6):c.286G>A (p.Ala96Thr)

Gene: PADI6 (peptidyl arginine deiminase 6; plus strand). Cytogenetic location: 1p36.13.
Variant type: single nucleotide variant.
Coding change: c.286G>A on transcript NM_207421.4 (MANE Select); coding-DNA position 286, G replaced by A.
Protein change: p.Ala96Thr; replaces alanine 96 with threonine.
Molecular consequence: missense variant.
Genome position (GRCh38, 1-based): chr1:17,373,225, G>A. VCF-style: chr1-17373225-G-A. GRCh37 (hg19) VCF-style: chr1-17699720-G-A.
Other names: short protein forms A96T.
Identifiers: ClinVar variation 1176184 (VCV001176184.37), dbSNP rs181841908, ClinGen allele CA641256.

ClinVar aggregate classification (germline): Uncertain significance. Review status: criteria provided, multiple submitters, no conflicts (2 of 4 stars). 3 submissions from 3 submitters: Uncertain significance (2). 1 of the submissions does not count toward it. Last evaluated 2025-11-01.

Conditions:
PADI6-related disorder. Also called: PADI6-related condition.

Allele frequency attached by ClinVar (database versions not stated): 1000 Genomes Project 30x 0.00031; 1000 Genomes Project 0.00040; TOPMed 0.00074; ESP Exome Variant Server 0.00078; gnomAD exomes 0.00102 and 0.00105; ExAC 0.00124.
gnomAD v4.1: 1,686 of 1,613,946 alleles (0.1%); highest among the groups gnomAD compares: Middle Eastern, 0.2%; no homozygotes.

Submissions (3):

CeGaT Center for Human Genetics Tuebingen
Classification: Uncertain significance. Last evaluated: 2025-11-01. Review status: criteria provided, single submitter. Criteria: CeGaT Center For Human Genetics Tuebingen Variant Classification Criteria Version 2. Collection method: clinical testing. Allele origin: germline. Affected: yes. Observed: 4 variant alleles.
Comment: PADI6: PM2:Supporting, BP4

Breakthrough Genomics
Classification: Uncertain significance. Review status: criteria provided, single submitter. Criteria: ACMG Guidelines, 2015. Collection method: not provided. Allele origin: germline. Inheritance: Autosomal recessive inheritance. Affected: yes.

PreventionGenetics, part of Exact Sciences
Classification: Likely benign for PADI6-related condition. Last evaluated: 2024-01-10. Review status: no assertion criteria provided. Collection method: clinical testing. Allele origin: germline. Not counted in ClinVar's aggregate classification.
Comment: This variant is classified as likely benign based on ACMG/AMP sequence variant interpretation guidelines (Richards et al. 2015 PMID: 25741868, with internal and published modifications).